The following is an entry in ClinVar:

NM_015272.5(RPGRIP1L):c.1243+2T>G

Gene: RPGRIP1L (RPGRIP1 like; minus strand). Cytogenetic location: 16q12.2.
Variant type: single nucleotide variant.
Coding change: c.1243+2T>G on transcript NM_015272.5 (MANE Select); the canonical splice donor site of the intron after coding-DNA position 1243, T replaced by G.
Molecular consequence: splice donor variant.
Genome position (GRCh38, 1-based): chr16:53,664,868, A>C on the plus strand (T>G on the coding strand, the complement: RPGRIP1L is on the minus strand). VCF-style: chr16-53664868-A-C. GRCh37 (hg19) VCF-style: chr16-53698780-A-C.
Other names: c.1243+2T>G (NM_001127897.4, NM_001330538.2, NM_001308334.3).
Identifiers: ClinVar variation 2953953 (VCV002953953.3), dbSNP rs2544398205, ClinGen allele CA395921448.

ClinVar aggregate classification (germline): Likely pathogenic (1 of 4 stars; one submission).

Conditions:
Joubert syndrome. Also called: CEREBELLOPARENCHYMAL DISORDER IV; JOUBERT-BOLTSHAUSER SYNDROME; Familial aplasia of the vermis. Identifiers: Orphanet 475, MedGen C5979921, MONDO:0018772.
Meckel-Gruber syndrome. Also called: DYSENCEPHALIA SPLANCHNOCYSTICA; GRUBER SYNDROME; Dysencephalia splachnocystica. Identifiers: Orphanet 564, MedGen C0265215, MONDO:0018921.

Submission:

Labcorp Genetics (formerly Invitae), Labcorp
Classification: Likely pathogenic for Joubert syndrome; Meckel-Gruber syndrome. Last evaluated: 2023-11-17. Review status: criteria provided, single submitter. Criteria: Invitae Variant Classification Sherloc (09022015). Collection method: clinical testing. Allele origin: germline.
Comment: This sequence change affects a donor splice site in intron 10 of the RPGRIP1L gene. It is expected to disrupt RNA splicing. Variants that disrupt the donor or acceptor splice site typically lead to a loss of protein function (PMID: 16199547), and loss-of-function variants in RPGRIP1L are known to be pathogenic (PMID: 17558409). This variant is not present in population databases (gnomAD no frequency). This variant has not been reported in the literature in individuals affected with RPGRIP1L-related conditions. Algorithms developed to predict the effect of sequence changes on RNA splicing suggest that this variant may disrupt the consensus splice site. In summary, the currently available evidence indicates that the variant is pathogenic, but additional data are needed to prove that conclusively. Therefore, this variant has been classified as Likely Pathogenic.

Literature cited by the submitters: PubMed 16199547; PubMed 17558409.